The following is an entry in ClinVar:

NM_001042492.3(NF1):c.2108_2112dup (p.Val705fs)

Gene: NF1 (neurofibromin 1; plus strand). Cytogenetic location: 17q11.2.
Variant type: Duplication.
Coding change: c.2108_2112dup on transcript NM_001042492.3 (MANE Select); coding-DNA positions 2108 to 2112, 5 bases duplicated (TTCTG; older notation c.2108_2112dupTTCTG).
Protein change: p.Val705fs; shifts the reading frame from valine 705.
Molecular consequence: frameshift variant.
Genome position (GRCh38, 1-based): chr17:31,226,541-31,226,545, TTCTG duplicated; duplicating any 5 consecutive bases within chr17:31,226,538-31,226,545 gives the same sequence; the c. name uses the placement nearest the transcript's 3' end. VCF-style (leftmost placement, unchanged base first): chr17-31226537-G-GCTGTT. GRCh37 (hg19) VCF-style: chr17-29553555-G-GCTGTT.
Other names: c.2108_2112dup, p.Val705Phefs (NM_000267.4); short protein forms V705fs.
Identifiers: ClinVar variation 3662500 (VCV003662500.2).

ClinVar aggregate classification (germline): Pathogenic (1 of 4 stars; one submission).

Conditions:
Neurofibromatosis, type 1 (NF1). Also called: Peripheral type neurofibromatosis; VON RECKLINGHAUSEN DISEASE; NEUROFIBROMATOSIS, TYPE I, SOMATIC; Neurofibromatosis, type I. Identifiers: Orphanet 636, MedGen C0027831, MONDO:0018975, OMIM 162200. Disease mechanism: loss of function.

Submission:

Labcorp Genetics (formerly Invitae), Labcorp
Classification: Pathogenic for Neurofibromatosis, type 1. Last evaluated: 2024-08-31. Review status: criteria provided, single submitter. Criteria: Invitae Variant Classification Sherloc (09022015). Collection method: clinical testing. Allele origin: germline.
Comment: This sequence change creates a premature translational stop signal (p.Val705Phefs*45) in the NF1 gene. It is expected to result in an absent or disrupted protein product. Loss-of-function variants in NF1 are known to be pathogenic (PMID: 10712197, 23913538). This variant is not present in population databases (gnomAD no frequency). This variant has not been reported in the literature in individuals affected with NF1-related conditions. For these reasons, this variant has been classified as Pathogenic.

Literature cited by the submitters: PubMed 10712197; PubMed 23913538.